The following is an entry in ClinVar:

NM_005660.3(SLC35A2):c.982G>A (p.Ala328Thr)

Gene: SLC35A2 (solute carrier family 35 member A2; minus strand). Cytogenetic location: Xp11.23.
Variant type: single nucleotide variant.
Coding change: c.982G>A on transcript NM_005660.3 (MANE Select); coding-DNA position 982, G replaced by A.
Protein change: p.Ala328Thr; replaces alanine 328 with threonine.
Molecular consequence: missense variant. On other transcripts: intron variant (3).
Genome position (GRCh38, 1-based): chrX:48,904,927, C>T on the plus strand (G>A on the coding strand, the complement: SLC35A2 is on the minus strand). VCF-style: chrX-48904927-C-T. GRCh37 (hg19) VCF-style: chrX-48762204-C-T.
Other names: c.982G>A, p.Ala328Thr (NM_001042498.3); c.799G>A, p.Ala267Thr (NM_001282649.2); c.1021G>A, p.Ala341Thr (NM_001282650.2); c.1066G>A, p.Ala356Thr (NM_001282651.2); c.427-35G>A (NM_001282647.2, NM_001032289.3); c.355-35G>A (NM_001282648.2); short protein forms A356T, A328T, A341T, A267T.
Identifiers: ClinVar variation 932491 (VCV000932491.42), dbSNP rs782485193, ClinGen allele CA10406077.
Genomic context (GRCh38, chrX:48,904,927, plus strand): 5'-TGGCTTTGGCTGCACCTCGGGGAAGGCTGTAGAGGTAGACAGCACCAATGACGAGTCCAG[C>T]GCCAAGGGCAAATAATGGGTCCACGTGGAAGCCAAAGAGGCGAATGGAGGCAACAGTGGA-3'
Protein context (NP_005651.1, residues 318-338): FHVDPLFALG[Ala328Thr]GLVIGAVYLY

ClinVar aggregate classification (germline): Uncertain significance. Review status: criteria provided, multiple submitters, no conflicts (2 of 4 stars). 2 submissions from 2 submitters: Uncertain significance (2). Last evaluated 2023-03-02.

Conditions:
SLC35A2-congenital disorder of glycosylation. Also called: SLC35A2-CDG; EPILEPTIC ENCEPHALOPATHY, EARLY INFANTILE, 22; DEVELOPMENTAL AND EPILEPTIC ENCEPHALOPATHY 22; CONGENITAL DISORDER OF GLYCOSYLATION, TYPE IIm; CDG IIm; CONGENITAL DISORDER OF GLYCOSYLATION, TYPE IIm, SOMATIC MOSAIC. Identifiers: Orphanet 356961, MedGen C3806688, MONDO:0010478, OMIM 300896.

Allele frequency attached by ClinVar (database versions not stated): gnomAD exomes below 0.00001 and 0.00001; ExAC 0.00001.
gnomAD v4.1: 3 of 1,210,469 alleles (0.00025%); highest among the groups gnomAD compares: East Asian, 0.0089%; no homozygotes.

Submissions (2):

Labcorp Genetics (formerly Invitae), Labcorp
Classification: Uncertain significance for SLC35A2-congenital disorder of glycosylation. Last evaluated: 2023-03-02. Review status: criteria provided, single submitter. Criteria: Invitae Variant Classification Sherloc (09022015). Collection method: clinical testing. Allele origin: germline.
Comment: Advanced modeling of protein sequence and biophysical properties (such as structural, functional, and spatial information, amino acid conservation, physicochemical variation, residue mobility, and thermodynamic stability) has been performed at Invitae for this missense variant, however the output from this modeling did not meet the statistical confidence thresholds required to predict the impact of this variant on SLC35A2 protein function. In summary, the available evidence is currently insufficient to determine the role of this variant in disease. Therefore, it has been classified as a Variant of Uncertain Significance. ClinVar contains an entry for this variant (Variation ID: 932491). This variant has not been reported in the literature in individuals affected with SLC35A2-related conditions. This variant is present in population databases (rs782485193, gnomAD 0.005%), including at least one homozygous and/or hemizygous individual. This sequence change replaces alanine, which is neutral and non-polar, with threonine, which is neutral and polar, at codon 328 of the SLC35A2 protein (p.Ala328Thr).

CeGaT Center for Human Genetics Tuebingen
Classification: Uncertain significance. Last evaluated: 2020-05-01. Review status: criteria provided, single submitter. Criteria: CeGaT Center For Human Genetics Tuebingen Variant Classification Criteria Version 2. Collection method: clinical testing. Allele origin: germline. Affected: yes. Observed: 1 variant allele.